The following is an entry in ClinVar:

ClinVar aggregate classification (germline): Uncertain significance (1 of 4 stars; one submission).

Conditions:
Hereditary diffuse gastric adenocarcinoma (HDGC). Also called: DIFFUSE GASTRIC AND LOBULAR BREAST CANCER SYNDROME. Identifiers: Orphanet 26106, MedGen C1708349, MONDO:0007648, OMIM 137215.

Submission:

Labcorp Genetics (formerly Invitae), Labcorp
Classification: Uncertain significance for Hereditary diffuse gastric adenocarcinoma. Last evaluated: 2020-10-01. Review status: criteria provided, single submitter. Criteria: Invitae Variant Classification Sherloc (09022015). Collection method: clinical testing. Allele origin: germline.
Comment: In summary, the available evidence is currently insufficient to determine the role of this variant in disease. Therefore, it has been classified as a Variant of Uncertain Significance. Algorithms developed to predict the effect of missense changes on protein structure and function are either unavailable or do not agree on the potential impact of this missense change (SIFT: "Deleterious"; PolyPhen-2: "Probably Damaging"; Align-GVGD: "Class C0"). This variant has not been reported in the literature in individuals with CDH1-related disease. This variant is not present in population databases (ExAC no frequency). This sequence change replaces aspartic acid with valine at codon 805 of the CDH1 protein (p.Asp805Val). The aspartic acid residue is highly conserved and there is a large physicochemical difference between aspartic acid and valine.

NM_004360.5(CDH1):c.2414A>T (p.Asp805Val)

Gene: CDH1 (cadherin 1; plus strand). Cytogenetic location: 16q22.1.
Variant type: single nucleotide variant.
Coding change: c.2414A>T on transcript NM_004360.5 (MANE Select); coding-DNA position 2414, A replaced by T.
Protein change: p.Asp805Val; replaces aspartic acid 805 with valine.
Molecular consequence: missense variant.
Genome position (GRCh38, 1-based): chr16:68,829,772, A>T. VCF-style: chr16-68829772-A-T. GRCh37 (hg19) VCF-style: chr16-68863675-A-T.
Other names: c.2414A>T (LRG_301t1); c.2231A>T, p.Asp744Val (NM_001317184.2); c.866A>T, p.Asp289Val (NM_001317185.2); c.449A>T, p.Asp150Val (NM_001317186.2); short protein forms D744V, D150V, D289V, D805V.
Identifiers: ClinVar variation 656429 (VCV000656429.9), dbSNP rs1481419710, ClinGen allele CA396471274.